The following is an entry in ClinVar:

NM_058216.3(RAD51C):c.109del (p.Glu37fs)

Gene: RAD51C (RAD51 paralog C; plus strand). Cytogenetic location: 17q22.
Variant type: Deletion.
Coding change: c.109del on transcript NM_058216.3 (MANE Select); coding-DNA position 109, one base deleted (G; older notation c.109delG).
Protein change: p.Glu37fs; shifts the reading frame from glutamic acid 37.
Molecular consequence: frameshift variant. On other transcripts: non-coding transcript variant (1).
Genome position (GRCh38, 1-based): chr17:58,692,752, G deleted; the last of 2 consecutive G bases (chr17:58,692,751-58,692,752); deleting either gives the same sequence. VCF-style (leftmost placement, unchanged base first): chr17-58692750-AG-A. GRCh37 (hg19) VCF-style: chr17-56770111-AG-A.
Other names: c.109del, p.Glu37fs (NM_002876.4); c.109delG, p.Glu37Asnfs (NM_058217.1); short protein forms E37fs.
Identifiers: ClinVar variation 2089801 (VCV002089801.6), dbSNP rs2509262078, ClinGen allele CA2580094331.

ClinVar aggregate classification (germline): Pathogenic/Likely pathogenic. Review status: criteria provided, multiple submitters, no conflicts (2 of 4 stars). 3 submissions from 3 submitters: Pathogenic (2); Likely pathogenic (1). Last evaluated 2026-05-18.

Conditions:
Hereditary cancer-predisposing syndrome. Also called: Neoplastic Syndromes, Hereditary; Tumor predisposition; Hereditary Cancer Syndrome; Hereditary neoplastic syndrome. Identifiers: Orphanet 140162, MedGen C0027672, MeSH D009386, MONDO:0015356.
Fanconi anemia complementation group O. Also called: RAD51C-Related Fanconi Anemia. Identifiers: Orphanet 84, MedGen C3150653, MONDO:0013248, OMIM 613390.
Breast-ovarian cancer, familial, susceptibility to, 3. Also called: RAD51C-Related Breast/Ovarian Cancer. Identifiers: Orphanet 145, MedGen C3150659, MONDO:0013253, OMIM 613399.

Submissions (3):

Ambry Genetics
Classification: Likely pathogenic for Hereditary cancer-predisposing syndrome. Last evaluated: 2026-05-18. Review status: criteria provided, single submitter. Criteria: Ambry Variant Classification Scheme 2023. Collection method: clinical testing. Allele origin: germline.
Comment: The c.109delG variant, located in coding exon 1 of the RAD51C gene, results from a deletion of one nucleotide at nucleotide position 109, causing a translational frameshift with a predicted alternate stop codon (p.E37Nfs*3). The predicted stop codon occurs in the 5&rsquo; end of thegene. Premature termination codons in the 5&rsquo; end of a gene have been reported to escape nonsense-mediated mRNAdecay and/or lead to re-initiation (Rivas et al. Science. 2015 May 8;348(6235):666-9; Lindeboom et al. Nat Genet. 2016 Oct;48(10):1112-8; Rhee et al. Sci Rep. 2017 May 10;7(1):1653). Direct evidence for this variant is unavailable, however premature termination codons are typically deleterious in nature. This variant is considered to be rare based on population cohorts in the Genome Aggregation Database (gnomAD). Based on the majority of available evidence to date, this variant is likely to be pathogenic.

Myriad Genetics, Inc.
Classification: Pathogenic for Breast-ovarian cancer, familial, susceptibility to, 3. Last evaluated: 2023-10-19. Review status: criteria provided, single submitter. Criteria: Myriad Autosomal Dominant, Autosomal Recessive and X-Linked Classification Criteria (2023). Collection method: clinical testing. Allele origin: unknown.
Comment: This variant is considered pathogenic. This variant creates a frameshift predicted to result in premature protein truncation.

Labcorp Genetics (formerly Invitae), Labcorp
Classification: Pathogenic for Fanconi anemia complementation group O. Last evaluated: 2022-09-08. Review status: criteria provided, single submitter. Criteria: Invitae Variant Classification Sherloc (09022015). Collection method: clinical testing. Allele origin: germline.
Comment: Algorithms developed to predict the effect of sequence changes on RNA splicing suggest that this variant may disrupt the consensus splice site. For these reasons, this variant has been classified as Pathogenic. This variant has not been reported in the literature in individuals affected with RAD51C-related conditions. This variant is not present in population databases (gnomAD no frequency). This sequence change creates a premature translational stop signal (p.Glu37Asnfs*3) in the RAD51C gene. It is expected to result in an absent or disrupted protein product. Loss-of-function variants in RAD51C are known to be pathogenic (PMID: 20400964, 21990120, 24800917).

Literature cited by the submitters: PubMed 20400964 (cited by Labcorp Genetics (formerly Invitae), Labcorp); PubMed 21990120 (cited by Labcorp Genetics (formerly Invitae), Labcorp); PubMed 24800917 (cited by Labcorp Genetics (formerly Invitae), Labcorp).